The following is an entry in ClinVar:

ClinVar aggregate classification (germline): Uncertain significance (1 of 4 stars; one submission).

Allele frequency attached by ClinVar (database versions not stated): gnomAD exomes below 0.00001.
gnomAD v4.1: 1 of 1,614,074 alleles (0.000062%); highest among the groups gnomAD compares: Non-Finnish European, 0.000085%; no homozygotes.

Submission:

Labcorp Genetics (formerly Invitae), Labcorp
Classification: Uncertain significance. Last evaluated: 2021-02-17. Review status: criteria provided, single submitter. Criteria: Invitae Variant Classification Sherloc (09022015). Collection method: clinical testing. Allele origin: germline.
Comment: This sequence change replaces aspartic acid with asparagine at codon 12 of the MAK protein (p.Asp12Asn). The aspartic acid residue is highly conserved and there is a small physicochemical difference between aspartic acid and asparagine. This variant is not present in population databases (ExAC no frequency). This variant has not been reported in the literature in individuals with MAK-related conditions. Experimental studies and prediction algorithms are not available or were not evaluated, and the functional significance of this variant is currently unknown. In summary, the available evidence is currently insufficient to determine the role of this variant in disease. Therefore, it has been classified as a Variant of Uncertain Significance.

NM_001242957.3(MAK):c.34G>A (p.Asp12Asn)

Gene: MAK (male germ cell associated kinase; minus strand). Cytogenetic location: 6p24.2.
Variant type: single nucleotide variant.
Coding change: c.34G>A on transcript NM_001242957.3 (MANE Select); coding-DNA position 34, G replaced by A.
Protein change: p.Asp12Asn; replaces aspartic acid 12 with asparagine.
Molecular consequence: missense variant. On other transcripts: non-coding transcript variant (2), intron variant (1).
Genome position (GRCh38, 1-based): chr6:10,830,615, C>T on the plus strand (G>A on the coding strand, the complement: MAK is on the minus strand). VCF-style: chr6-10830615-C-T. GRCh37 (hg19) VCF-style: chr6-10830848-C-T.
Other names: c.34G>A, p.Asp12Asn (NM_001242385.2, NM_005906.6); c.-2+7888G>A (NM_001377262.1); short protein forms D12N.
Identifiers: ClinVar variation 1439056 (VCV001439056.3), dbSNP rs2127590557, ClinGen allele CA362721835.
Genomic context (GRCh38, chr6:10,830,615, plus strand): 5'-TGGCCACCAGCTCCCCGGATTCATTACTCTTGCCCATAAGCACACTCCCATACGTGCCGT[C>T]CCCCAACTGTCTCATGGTTGTGTATCGGTTCATCTTGGAAAAATAATGCAGCAGAAGTTG-3'
Protein context (NP_001229886.1, residues 2-22): NRYTTMRQLG[Asp12Asn]GTYGSVLMGK